The following is an entry in ClinVar:

ClinVar aggregate classification (germline): Conflicting classifications of pathogenicity. Review status: criteria provided, conflicting classifications (1 of 4 stars). 4 submissions from 4 submitters: Uncertain significance (3); Likely benign (1). Last evaluated 2025-08-14.

Conditions:
CHD7-related disorder. Also called: CHD7-related condition.
Inborn genetic diseases. Identifiers: MedGen C0950123, MeSH D030342.
CHARGE syndrome (CHARGE). Also called: Hittner Hirsch Kreh syndrome; CHARGE ASSOCIATION--COLOBOMA, HEART ANOMALY, CHOANAL ATRESIA, RETARDATION, GENITAL AND EAR ANOMALIES; Coloboma, heart anomaly, choanal atresia, retardation, genital and ear anomalies; CHARGE association; Hall-Hittner syndrome. Identifiers: Orphanet 138, MedGen C0265354, MONDO:0008965.

Allele frequency attached by ClinVar (database versions not stated): ExAC 0.00001.
gnomAD v4.1: 3 of 1,613,726 alleles (0.00019%); highest among the groups gnomAD compares: Admixed American, 0.0017%; no homozygotes.

Submissions (4):

PreventionGenetics, part of Exact Sciences
Classification: Uncertain significance for CHD7-related condition. Last evaluated: 2025-08-14. Review status: criteria provided, single submitter. Criteria: ACMG Guidelines, 2015. Collection method: clinical testing. Allele origin: germline.
Comment: The CHD7 c.443G>A variant is predicted to result in the amino acid substitution p.Arg148Lys. To our knowledge, this variant has not been reported in the literature. This variant is reported in 0.0018% of alleles in individuals of European (Non-Finnish) descent in gnomAD. At this time, the clinical significance of this variant is uncertain due to the absence of conclusive functional and genetic evidence.

Labcorp Genetics (formerly Invitae), Labcorp
Classification: Likely benign for CHARGE syndrome. Last evaluated: 2024-12-22. Review status: criteria provided, single submitter. Criteria: Invitae Variant Classification Sherloc (09022015). Collection method: clinical testing. Allele origin: germline.

GeneDx
Classification: Uncertain significance. Last evaluated: 2023-05-01. Review status: criteria provided, single submitter. Criteria: GeneDx Variant Classification Process June 2021. Collection method: clinical testing. Allele origin: germline. Affected: yes.
Comment: Not observed at significant frequency in large population cohorts (gnomAD); In silico analysis supports that this missense variant does not alter protein structure/function; Has not been previously published as pathogenic or benign to our knowledge

Ambry Genetics
Classification: Uncertain significance for Inborn genetic diseases. Last evaluated: 2021-08-12. Review status: criteria provided, single submitter. Criteria: Ambry Variant Classification Scheme 2023. Collection method: clinical testing. Allele origin: germline.

NM_017780.4(CHD7):c.443G>A (p.Arg148Lys)

Gene: CHD7 (chromodomain helicase DNA binding protein 7; plus strand). Cytogenetic location: 8q12.2.
Variant type: single nucleotide variant.
Coding change: c.443G>A on transcript NM_017780.4 (MANE Select); coding-DNA position 443, G replaced by A.
Protein change: p.Arg148Lys; replaces arginine 148 with lysine.
Molecular consequence: missense variant.
Genome position (GRCh38, 1-based): chr8:60,741,875, G>A. VCF-style: chr8-60741875-G-A. GRCh37 (hg19) VCF-style: chr8-61654434-G-A.
Other names: c.443G>A, p.Arg148Lys (NM_001316690.1); short protein forms R148K.
Identifiers: ClinVar variation 2058711 (VCV002058711.7), dbSNP rs756074454, ClinGen allele CA4759316.
Genomic context (GRCh38, chr8:60,741,875, plus strand): 5'-GCATGCAGAATGAGAGGCATGGGCAATCCTTTGTGGACAGCAGCTCCATGTGGGGCCCCA[G>A]GGCTGTTCAGGTACCAGACCAGATACGAGCCCCCTACCAGCAGCAGCAGCCACAGCCGCA-3'
Protein context (NP_060250.2, residues 138-158): FVDSSSMWGP[Arg148Lys]AVQVPDQIRA